The following is an entry in ClinVar:

NM_001232.4(CASQ2):c.532+1G>A

Gene: CASQ2 (calsequestrin 2; minus strand). Cytogenetic location: 1p13.1.
Variant type: single nucleotide variant.
Coding change: c.532+1G>A on transcript NM_001232.4 (MANE Select); the canonical splice donor site of the intron after coding-DNA position 532, G replaced by A.
Molecular consequence: splice donor variant.
Genome position (GRCh38, 1-based): chr1:115,738,223, C>T on the plus strand (G>A on the coding strand, the complement: CASQ2 is on the minus strand). VCF-style: chr1-115738223-C-T. GRCh37 (hg19) VCF-style: chr1-116280844-C-T.
Identifiers: ClinVar variation 1746831 (VCV001746831.3), dbSNP rs1202663155, ClinGen allele CA341763774.
Genomic context (GRCh38, chr1:115,738,223, plus strand): 5'-GACATACCTTGTTTGGAATCTAGCTTTTAGACTGATCGGCTGGGGTTGGCAGACAACTTA[C>T]ATTCTGAGTCCTCACTCTTGAAAAAGCCAATGAGTTTGATGTAGTCTTCAATGCGTTCGA-3'

ClinVar aggregate classification (germline): Pathogenic/Likely pathogenic. Review status: criteria provided, multiple submitters, no conflicts (2 of 4 stars). 2 submissions from 2 submitters: Pathogenic (1); Likely pathogenic (1). Last evaluated 2024-01-05.

Conditions:
Catecholaminergic polymorphic ventricular tachycardia 2. Also called: VENTRICULAR TACHYCARDIA, STRESS-INDUCED POLYMORPHIC 2; CASQ2-Related Catecholaminergic Polymorphic Ventricular Tachycardia. Identifiers: Orphanet 3286, MedGen C2677794, MONDO:0012762, OMIM 611938.
Cardiovascular phenotype. Identifiers: MedGen CN230736.

Allele frequency attached by ClinVar (database versions not stated): gnomAD exomes below 0.00001; gnomAD 0.00001; TOPMed 0.00001.
gnomAD v4.1: 3 of 1,579,356 alleles (0.00019%); highest among the groups gnomAD compares: South Asian, 0.0011%; no homozygotes.

Submissions (2):

Fulgent Genetics
Classification: Pathogenic for Catecholaminergic polymorphic ventricular tachycardia 2. Last evaluated: 2024-01-05. Review status: criteria provided, single submitter. Criteria: ACMG Guidelines, 2015. Collection method: clinical testing. Allele origin: germline.

Ambry Genetics
Classification: Likely pathogenic for Cardiovascular phenotype. Last evaluated: 2016-09-09. Review status: criteria provided, single submitter. Criteria: Ambry Variant Classification Scheme 2023. Collection method: clinical testing. Allele origin: germline.
Comment: The c.532+1G>A intronic variant results from a G to A substitution one nucleotide after coding exon 4 of the CASQ2 gene. This alteration has been reported in a homozygous state in two siblings with features of catecholaminergic polymorphic ventricular tachycardia (CPVT) (Postma AV et al. Circ. Res., 2002 Oct;91:e21-6). In addition, this variant has been detected in conjunction with another alteration in CASQ2 in a patient with CPVT (Delio M et al. PLoS ONE. 2015;10(7):e0133742). This variant was not reported in population based cohorts in the following databases: Database of Single Nucleotide Polymorphisms (dbSNP), NHLBI Exome Sequencing Project (ESP), and 1000 Genomes Project. In the ESP, this variant was not observed in 6503 samples (13006 alleles) with coverage at this position. This nucleotide position is highly conserved in available vertebrate species. Using the BDGP and ESEfinder splice site prediction tools, this alteration is predicted to abolish the native splice donor site; however, direct evidence is unavailable. Alterations that disrupt the canonical splice site are expected to cause aberrant splicing, resulting in an abnormal protein or a transcript that is subject to nonsense-mediated mRNA decay. However, loss of function of CASQ2 has not been clearly established as a mechanism of disease. As such, this alteration is classified as likely pathogenic.

Literature cited by the submitters: PubMed 12386154 (cited by Ambry Genetics).